The following is an entry in ClinVar:

ClinVar aggregate classification (germline): Uncertain significance (1 of 4 stars; one submission).

Conditions:
Pheochromocytoma. Also called: MAX-Related Hereditary Paraganglioma-Pheochromocytoma Syndrome. Identifiers: Orphanet 29072, MedGen C0031511, MONDO:0008233, OMIM 171300, HP:0002666.
Pheochromocytoma/paraganglioma syndrome 4. Also called: CAROTID BODY TUMORS AND MULTIPLE EXTRAADRENAL PHEOCHROMOCYTOMAS; PARAGANGLIOMA, FAMILIAL MALIGNANT; PARAGANGLIOMAS, HEREDITARY EXTRAADRENAL; PHEOCHROMOCYTOMA, FAMILIAL EXTRAADRENAL; Paragangliomas 4; SDHB-Related Hereditary Paraganglioma-Pheochromocytoma Syndrome (Paragangliomas 4). Identifiers: Orphanet 29072, MedGen C1861848, MONDO:0007273, OMIM 115310.
Gastrointestinal stromal tumor. Also called: Gastrointestinal stroma tumor; Gastrointestinal stromal tumor, somatic. Identifiers: Orphanet 44890, MedGen C0238198, MeSH D046152, MONDO:0011719, OMIM 606764, HP:0100723.

gnomAD v4.1: 1 of 1,613,988 alleles (0.000062%); highest among the groups gnomAD compares: Non-Finnish European, 0.000085%; no homozygotes.

Submission:

Labcorp Genetics (formerly Invitae), Labcorp
Classification: Uncertain significance for Gastrointestinal stromal tumor; Pheochromocytoma/paraganglioma syndrome 4; Pheochromocytoma. Last evaluated: 2021-07-17. Review status: criteria provided, single submitter. Criteria: Invitae Variant Classification Sherloc (09022015). Collection method: clinical testing. Allele origin: germline.
Comment: Advanced modeling of protein sequence and biophysical properties (such as structural, functional, and spatial information, amino acid conservation, physicochemical variation, residue mobility, and thermodynamic stability) performed at Invitae indicates that this missense variant is expected to disrupt SDHB protein function. In summary, the available evidence is currently insufficient to determine the role of this variant in disease. Therefore, it has been classified as a Variant of Uncertain Significance. This variant has not been reported in the literature in individuals affected with SDHB-related conditions. This variant is not present in population databases (ExAC no frequency). This sequence change replaces lysine with asparagine at codon 80 of the SDHB protein (p.Lys80Asn). The lysine residue is highly conserved and there is a moderate physicochemical difference between lysine and asparagine.

NM_003000.3(SDHB):c.240G>C (p.Lys80Asn)

Gene: SDHB (succinate dehydrogenase complex iron sulfur subunit B; minus strand). Cytogenetic location: 1p36.13.
Variant type: single nucleotide variant.
Coding change: c.240G>C on transcript NM_003000.3 (MANE Select); coding-DNA position 240, G replaced by C.
Protein change: p.Lys80Asn; replaces lysine 80 with asparagine.
Molecular consequence: missense variant.
Genome position (GRCh38, 1-based): chr1:17,033,106, C>G on the plus strand (G>C on the coding strand, the complement: SDHB is on the minus strand). VCF-style: chr1-17033106-C-G. GRCh37 (hg19) VCF-style: chr1-17359601-C-G.
Other names: short protein forms K80N.
Identifiers: ClinVar variation 1416824 (VCV001416824.8), dbSNP rs2101528987, ClinGen allele CA338276556.